The following is an entry in ClinVar:

NM_033026.6(PCLO):c.7450C>G (p.Pro2484Ala)

Gene: PCLO (piccolo presynaptic cytomatrix protein; minus strand). Cytogenetic location: 7q21.11.
Variant type: single nucleotide variant.
Coding change: c.7450C>G on transcript NM_033026.6 (MANE Select); coding-DNA position 7450, C replaced by G.
Protein change: p.Pro2484Ala; replaces proline 2484 with alanine.
Molecular consequence: missense variant.
Genome position (GRCh38, 1-based): chr7:82,953,503, G>C on the plus strand (C>G on the coding strand, the complement: PCLO is on the minus strand). VCF-style: chr7-82953503-G-C. GRCh37 (hg19) VCF-style: chr7-82582819-G-C.
Other names: c.7450C>G, p.Pro2484Ala (NM_014510.3); short protein forms P2484A.
Identifiers: ClinVar variation 1503967 (VCV001503967.6), dbSNP rs768632415, ClinGen allele CA4320297.

ClinVar aggregate classification (germline): Uncertain significance (1 of 4 stars; one submission).

Allele frequency attached by ClinVar (database versions not stated): gnomAD exomes below 0.00001; TOPMed below 0.00001; ExAC 0.00001.
gnomAD v4.1: 1 of 1,613,612 alleles (0.000062%); highest among the groups gnomAD compares: Admixed American, 0.0017%; no homozygotes.

Submission:

Labcorp Genetics (formerly Invitae), Labcorp
Classification: Uncertain significance. Last evaluated: 2021-04-28. Review status: criteria provided, single submitter. Criteria: Invitae Variant Classification Sherloc (09022015). Collection method: clinical testing. Allele origin: germline.
Comment: In summary, the available evidence is currently insufficient to determine the role of this variant in disease. Therefore, it has been classified as a Variant of Uncertain Significance. Algorithms developed to predict the effect of missense changes on protein structure and function are either unavailable or do not agree on the potential impact of this missense change (SIFT: "Tolerated"; PolyPhen-2: "Not Available"; Align-GVGD: "Class C0"). This variant has not been reported in the literature in individuals with PCLO-related conditions. This variant is present in population databases (rs768632415, ExAC 0.009%). This sequence change replaces proline with alanine at codon 2484 of the PCLO protein (p.Pro2484Ala). The proline residue is moderately conserved and there is a small physicochemical difference between proline and alanine.